The following is an entry in ClinVar:

NM_001174147.2(LMX1B):c.627C>T (p.Ser209=)

Gene: LMX1B (LIM homeobox transcription factor 1 beta; plus strand). Cytogenetic location: 9q33.3.
Variant type: single nucleotide variant.
Coding change: c.627C>T on transcript NM_001174147.2 (MANE Select); coding-DNA position 627, C replaced by T.
Protein change: p.Ser209=; no amino-acid change (serine 209 retained).
Molecular consequence: synonymous variant.
Genome position (GRCh38, 1-based): chr9:126,693,209, C>T. VCF-style: chr9-126693209-C-T. GRCh37 (hg19) VCF-style: chr9-129455488-C-T.
Other names: c.627C>T, p.Ser209= (NM_001174146.2, NM_002316.4).
Identifiers: ClinVar variation 1953641 (VCV001953641.27), dbSNP rs780090833, ClinGen allele CA5242374.

ClinVar aggregate classification (germline): Likely benign. Review status: criteria provided, multiple submitters, no conflicts (2 of 4 stars). 2 submissions from 2 submitters: Likely benign (2). Last evaluated 2023-11-01.

Allele frequency attached by ClinVar (database versions not stated): gnomAD 0.00001; ExAC 0.00003.
gnomAD v4.1: 8 of 1,608,018 alleles (0.0005%); highest among the groups gnomAD compares: South Asian, 0.0045%; no homozygotes.

Submissions (2):

CeGaT Center for Human Genetics Tuebingen
Classification: Likely benign. Last evaluated: 2023-11-01. Review status: criteria provided, single submitter. Criteria: CeGaT Center For Human Genetics Tuebingen Variant Classification Criteria Version 2. Collection method: clinical testing. Allele origin: germline. Affected: yes. Observed: 1 variant allele.
Comment: LMX1B: BP4, BP7

Labcorp Genetics (formerly Invitae), Labcorp
Classification: Likely benign. Last evaluated: 2022-06-25. Review status: criteria provided, single submitter. Criteria: Invitae Variant Classification Sherloc (09022015). Collection method: clinical testing. Allele origin: germline.